The following is an entry in ClinVar:

ClinVar aggregate classification (germline): Uncertain significance (1 of 4 stars; one submission).

Conditions:
Catecholaminergic polymorphic ventricular tachycardia (CVPT). Also called: Catecholamine-induced polymorphic ventricular tachycardia. Identifiers: Orphanet 3286, MedGen C5574922, MONDO:0017990.

Submission:

All of Us Research Program, National Institutes of Health
Classification: Uncertain significance for Catecholaminergic polymorphic ventricular tachycardia. Last evaluated: 2023-05-16. Review status: criteria provided, single submitter. Criteria: ACMG Guidelines, 2015. Collection method: clinical testing. Allele origin: germline. Inheritance: Autosomal dominant inheritance. Observed: 1 variant allele, 1 heterozygote.
Comment: This missense variant replaces threonine with asparagine at codon 2105 of the RYR2 protein. Computational prediction is inconclusive regarding the impact of this variant on protein structure and function (internally defined REVEL score threshold 0.5 < inconclusive < 0.7, PMID: 27666373). To our knowledge, functional studies have not been reported for this variant. This variant has not been reported in individuals affected with RYR2-related disorders in the literature. This variant has not been identified in the general population by the Genome Aggregation Database (gnomAD). The available evidence is insufficient to determine the role of this variant in disease conclusively. Therefore, this variant is classified as a Variant of Uncertain Significance.

This study involves interpretation of variants in research participants for the purpose of population health screening. Participant phenotype was not available at the time of variant classification. Additional details can be found in publication PMID: 35346344, PMCID: PMC8962531

NM_001035.3(RYR2):c.6314C>A (p.Thr2105Asn)

Gene: RYR2 (ryanodine receptor 2; plus strand). Cytogenetic location: 1q43.
Variant type: single nucleotide variant.
Coding change: c.6314C>A on transcript NM_001035.3 (MANE Select); coding-DNA position 6314, C replaced by A.
Protein change: p.Thr2105Asn; replaces threonine 2105 with asparagine.
Molecular consequence: missense variant.
Genome position (GRCh38, 1-based): chr1:237,627,954, C>A. VCF-style: chr1-237627954-C-A. GRCh37 (hg19) VCF-style: chr1-237791254-C-A.
Other names: short protein forms T2105N.
Identifiers: ClinVar variation 3071106 (VCV003071106.1), dbSNP rs2148667252, ClinGen allele CA345411219.